The following is an entry in ClinVar:

NM_032444.4(SLX4):c.5231A>G (p.Gln1744Arg)

Gene: SLX4 (SLX4 structure-specific endonuclease subunit; minus strand). Cytogenetic location: 16p13.3.
Variant type: single nucleotide variant.
Coding change: c.5231A>G on transcript NM_032444.4 (MANE Select); coding-DNA position 5231, A replaced by G.
Protein change: p.Gln1744Arg; replaces glutamine 1744 with arginine.
Molecular consequence: missense variant.
Genome position (GRCh38, 1-based): chr16:3,582,616, T>C on the plus strand (A>G on the coding strand, the complement: SLX4 is on the minus strand). VCF-style: chr16-3582616-T-C. GRCh37 (hg19) VCF-style: chr16-3632617-T-C.
Other names: short protein forms Q1744R.
Identifiers: ClinVar variation 1315996 (VCV001315996.3), dbSNP rs2151115896, ClinGen allele CA394513916.

ClinVar aggregate classification (germline): Uncertain significance. Review status: criteria provided, multiple submitters, no conflicts (2 of 4 stars). 2 submissions from 2 submitters: Uncertain significance (2). Last evaluated 2025-10-15.

Conditions:
Inborn genetic diseases. Identifiers: MedGen C0950123, MeSH D030342.

gnomAD v4.1: 6 of 1,613,622 alleles (0.00037%); highest among the groups gnomAD compares: Non-Finnish European, 0.00051%; no homozygotes.

Submissions (2):

Ambry Genetics
Classification: Uncertain significance for Inborn genetic diseases. Last evaluated: 2025-10-15. Review status: criteria provided, single submitter. Criteria: Ambry Variant Classification Scheme 2023. Collection method: clinical testing. Allele origin: germline.

GeneDx
Classification: Uncertain significance. Last evaluated: 2019-12-13. Review status: criteria provided, single submitter. Criteria: GeneDx Variant Classification Process June 2021. Collection method: clinical testing. Allele origin: germline. Affected: yes.
Comment: Not observed in large population cohorts (Lek et al., 2016); In silico analysis, which includes protein predictors and evolutionary conservation, supports a deleterious effect; Has not been previously published as pathogenic or benign to our knowledge